The following is an entry in ClinVar:

ClinVar aggregate classification (germline): Benign (0 of 4 stars; one submission).

Conditions:
TTC21A-related disorder. Also called: TTC21A-related condition.

Allele frequency attached by ClinVar (database versions not stated): ESP Exome Variant Server 0.00385; 1000 Genomes Project 0.00599; 1000 Genomes Project 30x 0.00640.

Submission:

PreventionGenetics, part of Exact Sciences
Classification: Benign for TTC21A-related condition. Last evaluated: 2019-12-03. Review status: no assertion criteria provided. Collection method: clinical testing. Allele origin: germline.
Comment: This variant is classified as benign based on ACMG/AMP sequence variant interpretation guidelines (Richards et al. 2015 PMID: 25741868, with internal and published modifications).

NM_001366900.1(TTC21A):c.1256C>A (p.Ala419Glu)

Gene: TTC21A (tetratricopeptide repeat domain 21A; plus strand). Cytogenetic location: 3p22.2.
Variant type: single nucleotide variant.
Coding change: c.1256C>A on transcript NM_001366900.1 (MANE Select); coding-DNA position 1256, C replaced by A.
Protein change: p.Ala419Glu; replaces alanine 419 with glutamic acid.
Molecular consequence: missense variant. On other transcripts: non-coding transcript variant (3).
Genome position (GRCh38, 1-based): chr3:39,125,396, C>A. VCF-style: chr3-39125396-C-A. GRCh37 (hg19) VCF-style: chr3-39166887-C-A.
Other names: c.1133C>A, p.Ala378Glu (NM_001105513.3); c.1280C>A, p.Ala427Glu (NM_001366899.1, NM_145755.3); short protein forms A378E, A419E, A427E.
Identifiers: ClinVar variation 3039132 (VCV003039132.2), dbSNP rs74824603, ClinGen allele CA2324337.